The following is an entry in ClinVar:

ClinVar aggregate classification (germline): Uncertain significance. Review status: criteria provided, multiple submitters, no conflicts (2 of 4 stars). 3 submissions from 3 submitters: Uncertain significance (3). Last evaluated 2019-12-17.

Conditions:
Epidermolysis bullosa simplex 5B, with muscular dystrophy (EBS5B). Also called: EPIDERMOLYSIS BULLOSA SIMPLEX AND LIMB-GIRDLE MUSCULAR DYSTROPHY; Epidermolysis bullosa simplex with muscular dystrophy. Identifiers: Orphanet 257, MedGen C2931072, MONDO:0009181, OMIM 226670.
Epidermolysis bullosa simplex, Ogna type (EBS5A). Also called: Pidermolysis bullosa simplex 5A, Ogna type; EPIDERMOLYSIS BULLOSA SIMPLEX 5A, OGNA TYPE. Identifiers: Orphanet 79401, MedGen C0432317, MONDO:0007555, OMIM 131950.
Autosomal recessive limb-girdle muscular dystrophy type 2Q (LGMDR17). Also called: MUSCULAR DYSTROPHY, LIMB-GIRDLE, AUTOSOMAL RECESSIVE 17. Identifiers: Orphanet 254361, MedGen C3150989, MONDO:0013390, OMIM 613723.
Epidermolysis bullosa simplex 5C, with pyloric atresia (EBS5C). Also called: Epidermolysis bullosa simplex with pyloric atresia; PLEC1-Related Epidermolysis Bullosa with Pyloric Atresia; PLEC-Related Epidermolysis Bullosa with Pyloric Atresia. Identifiers: Orphanet 158684, MedGen C2677349, MONDO:0012807, OMIM 612138.
Epidermolysis bullosa simplex with nail dystrophy (EBS5D). Identifiers: MedGen C4225309, MONDO:0014661, OMIM 616487.

Allele frequency attached by ClinVar (database versions not stated): TOPMed below 0.00001; ExAC 0.00001; ESP Exome Variant Server 0.00008.
gnomAD v4.1: 7 of 1,612,842 alleles (0.00043%); highest among the groups gnomAD compares: Non-Finnish European, 0.00059%; no homozygotes.

Submissions (3):

Labcorp Genetics (formerly Invitae), Labcorp
Classification: Uncertain significance for Autosomal recessive limb-girdle muscular dystrophy type 2Q; Epidermolysis bullosa simplex, Ogna type; Epidermolysis bullosa simplex with nail dystrophy; Epidermolysis bullosa simplex 5C, with pyloric atresia; Epidermolysis bullosa simplex 5B, with muscular dystrophy. Last evaluated: 2019-12-17. Review status: criteria provided, single submitter. Criteria: Invitae Variant Classification Sherloc (09022015). Collection method: clinical testing. Allele origin: germline.
Comment: In summary, the available evidence is currently insufficient to determine the role of this variant in disease. Therefore, it has been classified as a Variant of Uncertain Significance. This variant has not been reported in the literature in individuals with PLEC-related conditions. ClinVar contains an entry for this variant (Variation ID: 500556). This variant is present in population databases (rs375857355, ExAC 0.002%). This sequence change replaces aspartic acid with histidine at codon 670 of the PLEC protein (p.Asp670His). The aspartic acid residue is highly conserved and there is a moderate physicochemical difference between aspartic acid and histidine.

Revvity Omics, Revvity
Classification: Uncertain significance. Last evaluated: 2019-08-05. Review status: criteria provided, single submitter. Criteria: ACMG Guidelines, 2015. Collection method: clinical testing. Allele origin: germline.

Eurofins Ntd Llc (ga)
Classification: Uncertain significance. Last evaluated: 2017-02-27. Review status: criteria provided, single submitter. Criteria: EGL Classification Definitions 2015. Collection method: clinical testing. Allele origin: germline. Observed: 1 variant allele, 1 heterozygote.

NM_201384.3(PLEC):c.1927G>C (p.Asp643His)

Gene: PLEC (plectin; minus strand). Cytogenetic location: 8q24.3.
Variant type: single nucleotide variant.
Coding change: c.1927G>C on transcript NM_201384.3 (MANE Select); coding-DNA position 1927, G replaced by C.
Protein change: p.Asp643His; replaces aspartic acid 643 with histidine.
Molecular consequence: missense variant.
Genome position (GRCh38, 1-based): chr8:143,932,450, C>G on the plus strand (G>C on the coding strand, the complement: PLEC is on the minus strand). VCF-style: chr8-143932450-C-G. GRCh37 (hg19) VCF-style: chr8-145006618-C-G.
Other names: c.2008G>C, p.Asp670His (NM_000445.5); c.1885G>C, p.Asp629His (NM_201378.4); c.1861G>C, p.Asp621His (NM_201379.3); c.2338G>C, p.Asp780His (NM_201380.4); c.1831G>C, p.Asp611His (NM_201381.3); c.1927G>C, p.Asp643His (NM_201382.4); c.1939G>C, p.Asp647His (NM_201383.3); c.2008G>C (NM_000445.3); short protein forms D611H, D621H, D629H, D643H, D647H, D670H, D780H.
Identifiers: ClinVar variation 500556 (VCV000500556.14), dbSNP rs375857355, ClinGen allele CA4927788.